The following is an entry in ClinVar:

NM_199420.4(POLQ):c.7131T>G (p.Asp2377Glu)

Gene: POLQ (DNA polymerase theta; minus strand). Cytogenetic location: 3q13.33.
Variant type: single nucleotide variant.
Coding change: c.7131T>G on transcript NM_199420.4 (MANE Select); coding-DNA position 7131, T replaced by G.
Protein change: p.Asp2377Glu; replaces aspartic acid 2377 with glutamic acid.
Molecular consequence: missense variant.
Genome position (GRCh38, 1-based): chr3:121,460,071, A>C on the plus strand (T>G on the coding strand, the complement: POLQ is on the minus strand). VCF-style: chr3-121460071-A-C. GRCh37 (hg19) VCF-style: chr3-121178918-A-C.
Other names: short protein forms D2377E.
Identifiers: ClinVar variation 1757320 (VCV001757320.2), dbSNP rs764957894, ClinGen allele CA2562271.
Genomic context (GRCh38, chr3:121,460,071, plus strand): 5'-ATTCTTCTCCTTTATATTAACCATGTTCACTAAAATCACCTGTTTTGCCTGCTGCCTCAG[A>C]TCATCCCCAACAGACTCTGGCTCAATCATCTTCCACTCTGCTGCAATGCTCCTGAAAACA-3'
Protein context (NP_955452.3, residues 2367-2387): KMIEPESVGD[Asp2377Glu]LRQQAKQICY

ClinVar aggregate classification (germline): Uncertain significance (1 of 4 stars; one submission).

Allele frequency attached by ClinVar (database versions not stated): ExAC 0.00002; TOPMed 0.00004; gnomAD 0.00007.
gnomAD v4.1: 22 of 1,613,866 alleles (0.0014%); highest among the groups gnomAD compares: African/African-American, 0.027%; no homozygotes.

Submission:

Ambry Genetics
Classification: Uncertain significance. Last evaluated: 2023-12-14. Review status: criteria provided, single submitter. Criteria: Ambry Variant Classification Scheme 2023. Collection method: clinical testing. Allele origin: germline.
Comment: The p.D2377E variant (also known as c.7131T>G), located in coding exon 25 of the POLQ gene, results from a T to G substitution at nucleotide position 7131. The aspartic acid at codon 2377 is replaced by glutamic acid, an amino acid with highly similar properties. This amino acid position is conserved. In addition, this alteration is predicted to be tolerated by in silico analysis. Since supporting evidence is limited at this time, the clinical significance of this alteration remains unclear.